The following is an entry in ClinVar:

ClinVar aggregate classification (germline): Uncertain significance (1 of 4 stars; one submission).

Conditions:
Familial cancer of breast. Also called: hereditary breast carcinoma; BREAST CANCER, FAMILIAL; Hereditary breast cancer. Identifiers: Orphanet 227535, MedGen C0346153, MONDO:0016419, OMIM 114480. Disease mechanism: loss of function.

Submission:

Labcorp Genetics (formerly Invitae), Labcorp
Classification: Uncertain significance for Familial cancer of breast. Last evaluated: 2022-02-24. Review status: criteria provided, single submitter. Criteria: Invitae Variant Classification Sherloc (09022015). Collection method: clinical testing. Allele origin: germline.
Comment: This sequence change replaces leucine, which is neutral and non-polar, with histidine, which is basic and polar, at codon 99 of the CHEK2 protein (p.Leu99His). This variant is not present in population databases (gnomAD no frequency). This variant has not been reported in the literature in individuals affected with CHEK2-related conditions. ClinVar contains an entry for this variant (Variation ID: 571956). Algorithms developed to predict the effect of missense changes on protein structure and function (SIFT, PolyPhen-2, Align-GVGD) all suggest that this variant is likely to be disruptive. In summary, the available evidence is currently insufficient to determine the role of this variant in disease. Therefore, it has been classified as a Variant of Uncertain Significance.

NM_007194.4(CHEK2):c.296T>A (p.Leu99His)

Gene: CHEK2 (checkpoint kinase 2; minus strand). Cytogenetic location: 22q12.1.
Variant type: single nucleotide variant.
Coding change: c.296T>A on transcript NM_007194.4 (MANE Select); coding-DNA position 296, T replaced by A.
Protein change: p.Leu99His; replaces leucine 99 with histidine.
Molecular consequence: missense variant.
Genome position (GRCh38, 1-based): chr22:28,734,426, A>T on the plus strand (T>A on the coding strand, the complement: CHEK2 is on the minus strand). VCF-style: chr22-28734426-A-T. GRCh37 (hg19) VCF-style: chr22-29130414-A-T.
Other names: c.296T>A, p.Leu99His (NM_001005735.3, NM_001349956.3, NM_145862.3); c.-482T>A (NM_001257387.3); short protein forms L99H.
Identifiers: ClinVar variation 571956 (VCV000571956.9), dbSNP rs786201193, ClinGen allele CA411090290.